The following is an entry in ClinVar:

NM_000038.6(APC):c.2146A>G (p.Lys716Glu)

Gene: APC (APC regulator of Wnt signaling pathway; plus strand). Cytogenetic location: 5q22.2.
Variant type: single nucleotide variant.
Coding change: c.2146A>G on transcript NM_000038.6 (MANE Select); coding-DNA position 2146, A replaced by G.
Protein change: p.Lys716Glu; replaces lysine 716 with glutamic acid.
Molecular consequence: missense variant. On other transcripts: non-coding transcript variant (2).
Genome position (GRCh38, 1-based): chr5:112,837,740, A>G. VCF-style: chr5-112837740-A-G. GRCh37 (hg19) VCF-style: chr5-112173437-A-G.
Other names: c.2146A>G, p.Lys716Glu (NM_001127510.3, NM_001354895.2, NM_001407450.1); c.2092A>G, p.Lys698Glu (NM_001127511.3); c.2200A>G, p.Lys734Glu (NM_001354896.2, NM_001407447.1, NM_001407448.1 and 1 more transcripts); c.2176A>G, p.Lys726Glu (NM_001354897.2); c.2071A>G, p.Lys691Glu (NM_001354898.2); c.2062A>G, p.Lys688Glu (NM_001354899.2); c.2023A>G, p.Lys675Glu (NM_001354900.2); c.1873A>G, p.Lys625Glu (NM_001354902.2); and 11 more; short protein forms K332E, K433E, K556E, K587E, K590E, K615E, K625E, K633E.
Identifiers: ClinVar variation 4801450 (VCV004801450.1).
Genomic context (GRCh38, chr5:112,837,740, plus strand): 5'-GAAGCATTATGGGACATGGGGGCAGTTAGCATGCTCAAGAACCTCATTCATTCAAAGCAC[A>G]AAATGATTGCTATGGGAAGTGCTGCAGCTTTAAGGAATCTCATGGCAAATAGGCCTGCGA-3'
Protein context (NP_000029.2, residues 706-726): MLKNLIHSKH[Lys716Glu]MIAMGSAAAL

ClinVar aggregate classification (germline): Uncertain significance (1 of 4 stars; one submission).

Conditions:
Familial adenomatous polyposis 1 (FAP1). Also called: FAMILIAL ADENOMATOUS POLYPOSIS 1, ATTENUATED; POLYPOSIS, ADENOMATOUS INTESTINAL. Identifiers: MedGen C2713442, MONDO:0021056, OMIM 175100. Disease mechanism: loss of function.

Submission:

Labcorp Genetics (formerly Invitae), Labcorp
Classification: Uncertain significance for Familial adenomatous polyposis 1. Last evaluated: 2025-06-25. Review status: criteria provided, single submitter. Criteria: Invitae Variant Classification Sherloc (09022015). Collection method: clinical testing. Allele origin: germline.
Comment: This sequence change replaces lysine, which is basic and polar, with glutamic acid, which is acidic and polar, at codon 716 of the APC protein (p.Lys716Glu). This variant is not present in population databases (gnomAD no frequency). This variant has not been reported in the literature in individuals affected with APC-related conditions. Invitae Evidence Modeling of protein sequence and biophysical properties (such as structural, functional, and spatial information, amino acid conservation, physicochemical variation, residue mobility, and thermodynamic stability) indicates that this missense variant is not expected to disrupt APC protein function with a negative predictive value of 95%. In summary, the available evidence is currently insufficient to determine the role of this variant in disease. Therefore, it has been classified as a Variant of Uncertain Significance.